The following is an entry in ClinVar:

ClinVar aggregate classification (germline): Pathogenic (1 of 4 stars; one submission).

gnomAD v4.1: 1 of 1,613,952 alleles (0.000062%); highest among the groups gnomAD compares: South Asian, 0.0011%; no homozygotes.

Submission:

Labcorp Genetics (formerly Invitae), Labcorp
Classification: Pathogenic. Last evaluated: 2022-12-23. Review status: criteria provided, single submitter. Criteria: Invitae Variant Classification Sherloc (09022015). Collection method: clinical testing. Allele origin: germline.
Comment: For these reasons, this variant has been classified as Pathogenic. This sequence change creates a premature translational stop signal (p.Ser347*) in the XPC gene. It is expected to result in an absent or disrupted protein product. Loss-of-function variants in XPC are known to be pathogenic (PMID: 23173980, 25256075). This variant is not present in population databases (gnomAD no frequency). This variant has not been reported in the literature in individuals affected with XPC-related conditions.

Literature cited by the submitters: PubMed 23173980; PubMed 25256075.

NM_004628.5(XPC):c.1040C>G (p.Ser347Ter)

Gene: XPC (XPC complex subunit, DNA damage recognition and repair factor; minus strand). Cytogenetic location: 3p25.1.
Variant type: single nucleotide variant.
Coding change: c.1040C>G on transcript NM_004628.5 (MANE Select); coding-DNA position 1040, C replaced by G.
Protein change: p.Ser347Ter; replaces serine 347 with a stop codon.
Molecular consequence: nonsense. On other transcripts: non-coding transcript variant (2).
Genome position (GRCh38, 1-based): chr3:14,158,843, G>C on the plus strand (C>G on the coding strand, the complement: XPC is on the minus strand). VCF-style: chr3-14158843-G-C. GRCh37 (hg19) VCF-style: chr3-14200343-G-C.
Other names: c.1040C>G, p.Ser347Ter (NM_001354727.2, NM_001354730.2); c.1022C>G, p.Ser341Ter (NM_001354729.2); c.461C>G, p.Ser154Ter (NM_001354726.2); short protein forms S154*, S341*, S347*.
Identifiers: ClinVar variation 2823530 (VCV002823530.3), dbSNP rs1696050737, ClinGen allele CA351541223.